The following is an entry in ClinVar:

ClinVar aggregate classification (germline): Conflicting classifications of pathogenicity. Review status: criteria provided, conflicting classifications (1 of 4 stars). 2 submissions from 2 submitters: Uncertain significance (1); Likely benign (1). Last evaluated 2024-03-28.

Conditions:
Hereditary cancer-predisposing syndrome. Also called: Neoplastic Syndromes, Hereditary; Tumor predisposition; Hereditary Cancer Syndrome; Hereditary neoplastic syndrome. Identifiers: Orphanet 140162, MedGen C0027672, MeSH D009386, MONDO:0015356.

Allele frequency attached by ClinVar (database versions not stated): ExAC 0.00001; gnomAD 0.00001 and 0.00002; gnomAD exomes 0.00001; TOPMed 0.00002.
gnomAD v4.1: 17 of 1,613,898 alleles (0.0011%); highest among the groups gnomAD compares: Non-Finnish European, 0.0014%; no homozygotes.

Submissions (2):

Ambry Genetics
Classification: Likely benign for Hereditary cancer-predisposing syndrome. Last evaluated: 2024-03-28. Review status: criteria provided, single submitter. Criteria: Ambry Variant Classification Scheme 2023. Collection method: clinical testing. Allele origin: germline.

Labcorp Genetics (formerly Invitae), Labcorp
Classification: Uncertain significance for Hereditary cancer-predisposing syndrome. Last evaluated: 2022-10-29. Review status: criteria provided, single submitter. Criteria: Invitae Variant Classification Sherloc (09022015). Collection method: clinical testing. Allele origin: germline.
Comment: This missense change has been observed in individual(s) with ovarian cancer (PMID: 26689913). In summary, the available evidence is currently insufficient to determine the role of this variant in disease. Therefore, it has been classified as a Variant of Uncertain Significance. Advanced modeling of protein sequence and biophysical properties (such as structural, functional, and spatial information, amino acid conservation, physicochemical variation, residue mobility, and thermodynamic stability) performed at Invitae indicates that this missense variant is not expected to disrupt RAD50 protein function. ClinVar contains an entry for this variant (Variation ID: 457366). This variant is present in population databases (rs768858742, gnomAD 0.002%). This sequence change replaces arginine, which is basic and polar, with threonine, which is neutral and polar, at codon 401 of the RAD50 protein (p.Arg401Thr).

Literature cited by the submitters: PubMed 26689913 (cited by Labcorp Genetics (formerly Invitae), Labcorp).

NM_005732.4(RAD50):c.1202G>C (p.Arg401Thr)

Gene: RAD50 (RAD50 double strand break repair protein; plus strand). Cytogenetic location: 5q31.1.
Variant type: single nucleotide variant.
Coding change: c.1202G>C on transcript NM_005732.4 (MANE Select); coding-DNA position 1202, G replaced by C.
Protein change: p.Arg401Thr; replaces arginine 401 with threonine.
Molecular consequence: missense variant.
Genome position (GRCh38, 1-based): chr5:132,588,837, G>C. VCF-style: chr5-132588837-G-C. GRCh37 (hg19) VCF-style: chr5-131924529-G-C.
Other names: short protein forms R401T.
Identifiers: ClinVar variation 457366 (VCV000457366.16), dbSNP rs768858742, ClinGen allele CA3405126.